The following is an entry in ClinVar:

ClinVar aggregate classification (germline): Likely pathogenic (1 of 4 stars; one submission).

gnomAD v4.1: 2 of 1,613,816 alleles (0.00012%); highest among the groups gnomAD compares: Admixed American, 0.0017%; no homozygotes.

Submission:

Labcorp Genetics (formerly Invitae), Labcorp
Classification: Likely pathogenic. Last evaluated: 2025-12-21. Review status: criteria provided, single submitter. Criteria: Invitae Variant Classification Sherloc (09022015). Collection method: clinical testing. Allele origin: germline.
Comment: This sequence change affects a donor splice site in intron 3 of the PNPLA1 gene. It is expected to disrupt RNA splicing. Variants that disrupt the donor or acceptor splice site typically lead to a loss of protein function (PMID: 16199547), and loss-of-function variants in PNPLA1 are known to be pathogenic (PMID: 22246504, 28093717). This variant is not present in population databases (gnomAD no frequency). This variant has not been reported in the literature in individuals affected with PNPLA1-related conditions. Algorithms developed to predict the effect of sequence changes on RNA splicing suggest that this variant may disrupt the consensus splice site. In summary, the currently available evidence indicates that the variant is pathogenic, but additional data are needed to prove that conclusively. Therefore, this variant has been classified as Likely Pathogenic.

Literature cited by the submitters: PubMed 16199547; PubMed 22246504; PubMed 28093717.

NM_001374623.1(PNPLA1):c.504+2T>C

Gene: PNPLA1 (patatin like domain 1, omega-hydroxyceramide transacylase; plus strand). Cytogenetic location: 6p21.31.
Variant type: single nucleotide variant.
Coding change: c.504+2T>C on transcript NM_001374623.1 (MANE Select); the canonical splice donor site of the intron after coding-DNA position 504, T replaced by C.
Molecular consequence: splice donor variant.
Genome position (GRCh38, 1-based): chr6:36,293,128, T>C. VCF-style: chr6-36293128-T-C. GRCh37 (hg19) VCF-style: chr6-36260905-T-C.
Other names: c.219+2T>C (NM_001145716.2, NM_173676.2); c.504+2T>C (NM_001145717.1).
Identifiers: ClinVar variation 4759912 (VCV004759912.1).
Genomic context (GRCh38, chr6:36,293,128, plus strand): 5'-ACTGCAGCTGCTTCGTCCCGGTGTACTGTGGCCTCATCCCCCCGACTTACCGCGGTGTGG[T>C]GAGTGCTTCGGCATGGTGAGGGGTGAGATGGGATCCAAGGGACCTCGGGTCCCTGTGACT-3'